The following is an entry in ClinVar:

ClinVar aggregate classification (germline): Pathogenic (1 of 4 stars; one submission).

Conditions:
Sulfite oxidase deficiency due to molybdenum cofactor deficiency type C. Also called: Molybdenum cofactor deficiency, complementation group C; Molybdenum cofactor deficiency C. Identifiers: Orphanet 308400, Orphanet 833, MedGen C1854990, MONDO:0014212, OMIM 615501.

Submission:

Labcorp Genetics (formerly Invitae), Labcorp
Classification: Pathogenic for Sulfite oxidase deficiency due to molybdenum cofactor deficiency type C. Last evaluated: 2022-02-08. Review status: criteria provided, single submitter. Criteria: Invitae Variant Classification Sherloc (09022015). Collection method: clinical testing. Allele origin: germline.
Comment: For these reasons, this variant has been classified as Pathogenic. This variant has not been reported in the literature in individuals affected with GPHN-related conditions. This variant is a gross deletion of the genomic region encompassing exon(s) 10-12 of the GPHN gene. This deletion is out-of-frame, and is expected to create a premature termination codon and result in an absent or disrupted protein product. Loss-of-function variants in GPHN are known to be pathogenic (PMID: 11095995, 23184456, 23393157).

Literature cited by the submitters: PubMed 11095995; PubMed 23184456; PubMed 23393157.

NC_000014.8:g.(?_67490330)_(67555812_?)del

Gene: GPHN (gephyrin; plus strand). Cytogenetic location: 14q23.3.
Variant type: Deletion.
Identifiers: ClinVar variation 1456691 (VCV001456691.7).